The following is an entry in ClinVar:

NM_000135.4(FANCA):c.3857A>G (p.His1286Arg)

Genes: FANCA (FA complementation group A; minus strand), ZNF276 (zinc finger protein 276; plus strand). Cytogenetic location: 16q24.3.
Variant type: single nucleotide variant.
Coding change: c.3857A>G on transcript NM_000135.4 (MANE Select); coding-DNA position 3857, A replaced by G.
Protein change: p.His1286Arg; replaces histidine 1286 with arginine.
Molecular consequence: missense variant. On other transcripts: 3 prime UTR variant (2), non-coding transcript variant (4).
Genome position (GRCh38, 1-based): chr16:89,740,071, T>C on the plus strand (A>G on the coding strand, the complement: FANCA is on the minus strand). VCF-style: chr16-89740071-T-C. GRCh37 (hg19) VCF-style: chr16-89806479-T-C.
Other names: c.3857A>G, p.His1286Arg (NM_001286167.3); c.*1825T>C (NM_001113525.2, NM_152287.4); short protein forms H1286R.
Identifiers: ClinVar variation 3234635 (VCV003234635.20), dbSNP rs138620653, ClinGen allele CA397485059.
Genomic context (GRCh38, chr16:89,740,071, plus strand): 5'-AAGAGTGCCAGCCAGGATATCTTCCTCTTCTCTAAACACTCGAGGATTGCTGCACAAACG[T>C]GGAAAGCCTTTGGCAGGTCTGTGGTGCTCTGTAAACCGCAGGAGACCAACCCTGAGAATG-3'
Protein context (NP_000126.2, residues 1276-1296): NSTTDLPKAF[His1286Arg]VCAAILECLE

ClinVar aggregate classification (germline): Uncertain significance (1 of 4 stars; one submission).

Submission:

CeGaT Center for Human Genetics Tuebingen
Classification: Uncertain significance. Last evaluated: 2024-04-01. Review status: criteria provided, single submitter. Criteria: CeGaT Center For Human Genetics Tuebingen Variant Classification Criteria Version 2. Collection method: clinical testing. Allele origin: germline. Affected: yes. Observed: 1 variant allele.
Comment: FANCA: PM2, BP4